The following is an entry in ClinVar:

NM_006834.5(RAB32):c.252G>A (p.Gly84=)

Gene: RAB32 (RAB32, member RAS oncogene family; plus strand). Cytogenetic location: 6q24.3.
Variant type: single nucleotide variant.
Coding change: c.252G>A on transcript NM_006834.5 (MANE Select); coding-DNA position 252, G replaced by A.
Protein change: p.Gly84=; no amino-acid change (glycine 84 retained).
Molecular consequence: synonymous variant.
Genome position (GRCh38, 1-based): chr6:146,549,465, G>A. VCF-style: chr6-146549465-G-A. GRCh37 (hg19) VCF-style: chr6-146870601-G-A.
Identifiers: ClinVar variation 4873651 (VCV004873651.2).

ClinVar aggregate classification (germline): Likely benign (1 of 4 stars; one submission).

gnomAD v4.1: 390 of 1,613,004 alleles (0.024%); highest among the groups gnomAD compares: Admixed American, 0.64%; 3 homozygotes.

Submission:

CeGaT Center for Human Genetics Tuebingen
Classification: Likely benign. Last evaluated: 2026-06-01. Review status: criteria provided, single submitter. Criteria: CeGaT Center For Human Genetics Tuebingen Variant Classification Criteria Version 2. Collection method: clinical testing. Allele origin: germline. Affected: yes. Observed: 1 variant allele.
Comment: RAB32: BP4, BP7